The following is an entry in ClinVar:

NM_018109.4(MTPAP):c.801G>A (p.Met267Ile)

Gene: MTPAP (mitochondrial poly(A) polymerase; minus strand). Cytogenetic location: 10p11.23.
Variant type: single nucleotide variant.
Coding change: c.801G>A on transcript NM_018109.4 (MANE Select); coding-DNA position 801, G replaced by A.
Protein change: p.Met267Ile; replaces methionine 267 with isoleucine.
Molecular consequence: missense variant.
Genome position (GRCh38, 1-based): chr10:30,326,615, C>T on the plus strand (G>A on the coding strand, the complement: MTPAP is on the minus strand). VCF-style: chr10-30326615-C-T. GRCh37 (hg19) VCF-style: chr10-30615544-C-T.
Other names: short protein forms M267I.
Identifiers: ClinVar variation 4537631 (VCV004537631.1).

ClinVar aggregate classification (germline): Uncertain significance (1 of 4 stars; one submission).

gnomAD v4.1: 2 of 1,613,542 alleles (0.00012%); highest among the groups gnomAD compares: African/African-American, 0.0013%; no homozygotes.

Submission:

GeneDx
Classification: Uncertain significance. Last evaluated: 2025-06-12. Review status: criteria provided, single submitter. Criteria: GeneDx Variant Classification Process June 2021. Collection method: clinical testing. Allele origin: germline. Affected: yes.
Comment: Not observed at significant frequency in large population cohorts (gnomAD); In silico analysis suggests that this missense variant does not alter protein structure/function; Has not been previously published as pathogenic or benign to our knowledge